The following is an entry in ClinVar:

ClinVar aggregate classification (germline): Uncertain significance. Review status: criteria provided, multiple submitters, no conflicts (2 of 4 stars). 3 submissions from 3 submitters: Uncertain significance (3). Last evaluated 2025-05-29.

Submissions (3):

Labcorp Genetics (formerly Invitae), Labcorp
Classification: Uncertain significance. Last evaluated: 2025-05-29. Review status: criteria provided, single submitter. Criteria: Invitae Variant Classification Sherloc (09022015). Collection method: clinical testing. Allele origin: germline.
Comment: This sequence change replaces cysteine, which is neutral and slightly polar, with tyrosine, which is neutral and polar, at codon 839 of the CFH protein (p.Cys839Tyr). This variant is not present in population databases (gnomAD no frequency). This variant has not been reported in the literature in individuals affected with CFH-related conditions. ClinVar contains an entry for this variant (Variation ID: 3380283). An algorithm developed to predict the effect of missense changes on protein structure and function (PolyPhen-2) suggests that this variant is likely to be disruptive. In summary, the available evidence is currently insufficient to determine the role of this variant in disease. Therefore, it has been classified as a Variant of Uncertain Significance.

Women's Health and Genetics/Laboratory Corporation of America, LabCorp
Classification: Uncertain significance. Last evaluated: 2024-11-13. Review status: criteria provided, single submitter. Criteria: LabCorp Variant Classification Summary - May 2015. Collection method: clinical testing. Allele origin: germline.
Comment: Variant summary: CFH c.2516G>A (p.Cys839Tyr) results in a non-conservative amino acid change located in the Sushi/SCR/CCP domain of the encoded protein sequence. Five of five in-silico tools predict a damaging effect of the variant on protein function. The variant was absent in 250486 control chromosomes. The available data on variant occurrences in the general population are insufficient to allow any conclusion about variant significance. To our knowledge, no occurrence of c.2516G>A in individuals affected with CFH-Related Disorders and no experimental evidence demonstrating its impact on protein function have been reported. No submitters have cited clinical-significance assessments for this variant to ClinVar. Based on the evidence outlined above, the variant was classified as uncertain significance.

Mayo Clinic Laboratories, Mayo Clinic
Classification: Uncertain significance. Last evaluated: 2023-08-30. Review status: criteria provided, single submitter. Criteria: ACMG Guidelines, 2015. Collection method: clinical testing. Allele origin: germline. Observed: 1 variant allele.
Comment: PP3, PM2

NM_000186.4(CFH):c.2516G>A (p.Cys839Tyr)

Gene: CFH (complement factor H; plus strand). Cytogenetic location: 1q31.3.
Variant type: single nucleotide variant.
Coding change: c.2516G>A on transcript NM_000186.4 (MANE Select); coding-DNA position 2516, G replaced by A.
Protein change: p.Cys839Tyr; replaces cysteine 839 with tyrosine.
Molecular consequence: missense variant.
Genome position (GRCh38, 1-based): chr1:196,736,926, G>A. VCF-style: chr1-196736926-G-A. GRCh37 (hg19) VCF-style: chr1-196706056-G-A.
Other names: p.Cys839Tyr; short protein forms C839Y.
Identifiers: ClinVar variation 3380283 (VCV003380283.3).